The following is an entry in ClinVar:

ClinVar aggregate classification (germline): Conflicting classifications of pathogenicity. Review status: criteria provided, conflicting classifications (1 of 4 stars). 3 submissions from 3 submitters: Uncertain significance (1); Likely benign (2). Last evaluated 2025-05-07.

Conditions:
Cardiovascular phenotype. Identifiers: MedGen CN230736.
Duchenne muscular dystrophy (DMD). Also called: Duchenne Muscular Dystrophy (DMD); MUSCULAR DYSTROPHY, PSEUDOHYPERTROPHIC PROGRESSIVE, DUCHENNE TYPE. Identifiers: Orphanet 98896, MedGen C0013264, MONDO:0010679, OMIM 310200.

Allele frequency attached by ClinVar (database versions not stated): ExAC 0.00002; gnomAD exomes 0.00002 and 0.00003; gnomAD 0.00003; TOPMed 0.00003.
gnomAD v4.1: 38 of 1,207,162 alleles (0.0031%); highest among the groups gnomAD compares: Non-Finnish European, 0.0043%; no homozygotes.

Submissions (3):

Labcorp Genetics (formerly Invitae), Labcorp
Classification: Likely benign for Duchenne muscular dystrophy. Last evaluated: 2025-05-07. Review status: criteria provided, single submitter. Criteria: Invitae Variant Classification Sherloc (09022015). Collection method: clinical testing. Allele origin: germline.

Ambry Genetics
Classification: Uncertain significance for Cardiovascular phenotype. Last evaluated: 2024-02-21. Review status: criteria provided, single submitter. Criteria: Ambry Variant Classification Scheme 2023. Collection method: clinical testing. Allele origin: germline.
Comment: The p.L1240R variant (also known as c.3719T>G), located in coding exon 27 of the DMD gene, results from a T to G substitution at nucleotide position 3719. The leucine at codon 1240 is replaced by arginine, an amino acid with dissimilar properties. Based on data from gnomAD, the G allele has an overall frequency of 0.0024% (5/204390) total alleles studied, with 3 hemizygote(s) observed. The highest observed frequency was 0.0054% (5/92104) of European (non-Finnish) alleles. This amino acid position is highly conserved in available vertebrate species. In addition, this alteration is predicted to be deleterious by in silico analysis. Based on the available evidence, the clinical significance of this alteration remains unclear.

Blueprint Genetics
Classification: Likely benign. Last evaluated: 2022-04-23. Review status: criteria provided, single submitter. Criteria: ACMG Guidelines, 2015. Collection method: clinical testing. Allele origin: germline.

NM_004006.3(DMD):c.3719T>G (p.Leu1240Arg)

Gene: DMD (dystrophin; minus strand). Cytogenetic location: Xp21.1.
Variant type: single nucleotide variant.
Coding change: c.3719T>G on transcript NM_004006.3 (MANE Select); coding-DNA position 3719, T replaced by G.
Protein change: p.Leu1240Arg; replaces leucine 1240 with arginine.
Molecular consequence: missense variant.
Genome position (GRCh38, 1-based): chrX:32,448,523, A>C on the plus strand (T>G on the coding strand, the complement: DMD is on the minus strand). VCF-style: chrX-32448523-A-C. GRCh37 (hg19) VCF-style: chrX-32466640-A-C.
Other names: c.3695T>G, p.Leu1232Arg (NM_000109.4); c.3707T>G, p.Leu1236Arg (NM_004009.3); c.3350T>G, p.Leu1117Arg (NM_004010.3); c.3719T>G (NM_004006.2); short protein forms L1117R, L1232R, L1236R, L1240R.
Identifiers: ClinVar variation 1132229 (VCV001132229.11), dbSNP rs769030725, ClinGen allele CA10379200.